The following is an entry in ClinVar:

ClinVar aggregate classification (germline): Pathogenic (1 of 4 stars; one submission).

gnomAD v4.1: 1 of 1,613,498 alleles (0.000062%); highest among the groups gnomAD compares: Non-Finnish European, 0.000085%; no homozygotes.

Submission:

Labcorp Genetics (formerly Invitae), Labcorp
Classification: Pathogenic. Last evaluated: 2023-11-19. Review status: criteria provided, single submitter. Criteria: Invitae Variant Classification Sherloc (09022015). Collection method: clinical testing. Allele origin: germline.
Comment: This sequence change creates a premature translational stop signal (p.Lys455*) in the PDE6A gene. It is expected to result in an absent or disrupted protein product. Loss-of-function variants in PDE6A are known to be pathogenic (PMID: 7493036, 22128245, 23847139). This variant is present in population databases (rs536201841, gnomAD 0.0009%). This premature translational stop signal has been observed in individual(s) with retinal disease (PMID: 23847139, 36460718). For these reasons, this variant has been classified as Pathogenic.

Literature cited by the submitters: PubMed 7493036; PubMed 22128245; PubMed 23847139; PubMed 36460718.

NM_000440.3(PDE6A):c.1363A>T (p.Lys455Ter)

Gene: PDE6A (phosphodiesterase 6A; minus strand). Cytogenetic location: 5q32.
Variant type: single nucleotide variant.
Coding change: c.1363A>T on transcript NM_000440.3 (MANE Select); coding-DNA position 1363, A replaced by T.
Protein change: p.Lys455Ter; replaces lysine 455 with a stop codon.
Molecular consequence: nonsense.
Genome position (GRCh38, 1-based): chr5:149,898,407, T>A on the plus strand (A>T on the coding strand, the complement: PDE6A is on the minus strand). VCF-style: chr5-149898407-T-A. GRCh37 (hg19) VCF-style: chr5-149277970-T-A.
Other names: c.1120A>T, p.Lys374Ter (NM_001410788.1); short protein forms K374*, K455*.
Identifiers: ClinVar variation 2734800 (VCV002734800.3), dbSNP rs536201841, ClinGen allele CA3504720.